The following is an entry in ClinVar:

ClinVar aggregate classification (germline): Uncertain significance (1 of 4 stars; one submission).

Conditions:
Hypertrophic cardiomyopathy. Also called: HYPERTROPHIC MYOCARDIOPATHY. Identifiers: Orphanet 217569, MedGen C0007194, MeSH D002312, MONDO:0005045, HP:0001639.

Submission:

Labcorp Genetics (formerly Invitae), Labcorp
Classification: Uncertain significance for Hypertrophic cardiomyopathy. Last evaluated: 2025-12-08. Review status: criteria provided, single submitter. Criteria: Invitae Variant Classification Sherloc (09022015). Collection method: clinical testing. Allele origin: germline.
Comment: This sequence change creates a premature translational stop signal (p.Arg21*) in the TPM1 gene. It is expected to result in an absent or disrupted protein product. However, the current clinical and genetic evidence is not sufficient to establish whether loss-of-function variants in TPM1 cause disease. This variant is not present in population databases (gnomAD no frequency). This variant has not been reported in the literature in individuals affected with TPM1-related conditions. ClinVar contains an entry for this variant (Variation ID: 3705659). In summary, the available evidence is currently insufficient to determine the role of this variant in disease. Therefore, it has been classified as a Variant of Uncertain Significance.

NM_001018005.2(TPM1):c.61C>T (p.Arg21Ter)

Gene: TPM1 (tropomyosin 1; plus strand). Cytogenetic location: 15q22.2.
Variant type: single nucleotide variant.
Coding change: c.61C>T on transcript NM_001018005.2 (MANE Select); coding-DNA position 61, C replaced by T.
Protein change: p.Arg21Ter; replaces arginine 21 with a stop codon.
Molecular consequence: nonsense. On other transcripts: non-coding transcript variant (11).
Genome position (GRCh38, 1-based): chr15:63,042,890, C>T. VCF-style: chr15-63042890-C-T. GRCh37 (hg19) VCF-style: chr15-63335089-C-T.
Other names: c.61C>T, p.Arg21Ter (NM_000366.6, NM_001018004.2, NM_001018006.2 and 24 more transcripts); short protein forms R21*.
Identifiers: ClinVar variation 3705659 (VCV003705659.2).